The following is an entry in ClinVar:

ClinVar aggregate classification (germline): Uncertain significance (1 of 4 stars; one submission).

Conditions:
Epilepsy, familial adult myoclonic, 5 (EPEO5). Also called: CORTICAL MYOCLONIC TREMOR WITH EPILEPSY, FAMILIAL, 5. Identifiers: Orphanet 86814, MedGen C3809374, MONDO:0014167, OMIM 615400.

Submission:

Labcorp Genetics (formerly Invitae), Labcorp
Classification: Uncertain significance for Epilepsy, familial adult myoclonic, 5. Last evaluated: 2022-01-27. Review status: criteria provided, single submitter. Criteria: Invitae Variant Classification Sherloc (09022015). Collection method: clinical testing. Allele origin: germline.
Comment: In summary, the available evidence is currently insufficient to determine the role of this variant in disease. Therefore, it has been classified as a Variant of Uncertain Significance. Algorithms developed to predict the effect of sequence changes on RNA splicing suggest that this variant may create or strengthen a splice site. Algorithms developed to predict the effect of missense changes on protein structure and function are either unavailable or do not agree on the potential impact of this missense change (SIFT: "Deleterious"; PolyPhen-2: "Benign"; Align-GVGD: "Class C25"). This variant has not been reported in the literature in individuals affected with CNTN2-related conditions. This variant is not present in population databases (gnomAD no frequency). This sequence change replaces leucine, which is neutral and non-polar, with valine, which is neutral and non-polar, at codon 380 of the CNTN2 protein (p.Leu380Val).

NM_005076.5(CNTN2):c.1138C>G (p.Leu380Val)

Gene: CNTN2 (contactin 2; plus strand). Cytogenetic location: 1q32.1.
Variant type: single nucleotide variant.
Coding change: c.1138C>G on transcript NM_005076.5 (MANE Select); coding-DNA position 1138, C replaced by G.
Protein change: p.Leu380Val; replaces leucine 380 with valine.
Molecular consequence: missense variant. On other transcripts: non-coding transcript variant (1).
Genome position (GRCh38, 1-based): chr1:205,062,467, C>G. VCF-style: chr1-205062467-C-G. GRCh37 (hg19) VCF-style: chr1-205031595-C-G.
Other names: c.1138C>G, p.Leu380Val (NM_001346083.2); short protein forms L380V.
Identifiers: ClinVar variation 1506405 (VCV001506405.6), dbSNP rs2151192794, ClinGen allele CA344374434.
Genomic context (GRCh38, chr1:205,062,467, plus strand): 5'-TGATCCCCCTGGGCTCTGGGCTCTTCTGCACAGAACCGGGTGGAGGTGTTGGCTGGGGAC[C>G]TGCGGTTCTCCAAGCTGAGCCTGGAAGACTCGGGCATGTACCAGTGTGTGGCAGAGAATA-3'
Protein context (NP_005067.1, residues 370-390): QNRVEVLAGD[Leu380Val]RFSKLSLEDS